The following is an entry in ClinVar:

NM_001326327.2(CELF2):c.10T>G (p.Leu4Val)

Gene: CELF2 (CUGBP Elav-like family member 2; plus strand). Cytogenetic location: 10p14.
Variant type: single nucleotide variant.
Coding change: c.10T>G on transcript NM_001326327.2; coding-DNA position 10, T replaced by G.
Protein change: p.Leu4Val; replaces leucine 4 with valine.
Molecular consequence: missense variant. On other transcripts: 5 prime UTR variant (1), intron variant (8).
Genome position (GRCh38, 1-based): chr10:10,798,774, T>G. VCF-style: chr10-10798774-T-G. GRCh37 (hg19) VCF-style: chr10-10840737-T-G.
Other names: c.10T>G, p.Leu4Val (NM_001326326.2); c.-193T>G (NM_001326328.2); c.-149-47289T>G (NM_001326323.2, NM_001326320.2); c.-94+116280T>G (NM_001326319.2); c.-56+116280T>G (NM_001326321.2, NM_001326318.2, NM_001326317.2); c.16+1871T>G (NM_001326325.2); c.-56+1871T>G (NM_001326324.2); short protein forms L4V.
Identifiers: ClinVar variation 3029879 (VCV003029879.2), dbSNP rs1006764903, ClinGen allele CA203042260.

ClinVar aggregate classification (germline): Likely benign (0 of 4 stars; one submission).

Conditions:
CELF2-related disorder. Also called: CELF2-related condition.

Allele frequency attached by ClinVar (database versions not stated): 1000 Genomes Project 30x 0.00016; gnomAD exomes 0.00005.
gnomAD v4.1: 49 of 398,898 alleles (0.012%); highest among the groups gnomAD compares: African/African-American, 0.074%; no homozygotes.

Submission:

PreventionGenetics, part of Exact Sciences
Classification: Likely benign for CELF2-related condition. Last evaluated: 2023-03-21. Review status: no assertion criteria provided. Collection method: clinical testing. Allele origin: germline.
Comment: This variant is classified as likely benign based on ACMG/AMP sequence variant interpretation guidelines (Richards et al. 2015 PMID: 25741868, with internal and published modifications).